The following is an entry in ClinVar:

NM_000548.5(TSC2):c.3681C>A (p.Pro1227=)

Gene: TSC2 (TSC complex subunit 2; plus strand). Cytogenetic location: 16p13.3.
Variant type: single nucleotide variant.
Coding change: c.3681C>A on transcript NM_000548.5 (MANE Select); coding-DNA position 3681, C replaced by A.
Protein change: p.Pro1227=; no amino-acid change (proline 1227 retained).
Molecular consequence: synonymous variant.
Genome position (GRCh38, 1-based): chr16:2,081,665, C>A. VCF-style: chr16-2081665-C-A. GRCh37 (hg19) VCF-style: chr16-2131666-C-A.
Other names: c.3549C>A, p.Pro1183= (NM_001077183.3, NM_001370404.1); c.3681C>A, p.Pro1227= (NM_001114382.3); c.3441C>A, p.Pro1147= (NM_001318827.2); c.3405C>A, p.Pro1135= (NM_001318829.2); c.2949C>A, p.Pro983= (NM_001318831.2); c.3582C>A, p.Pro1194= (NM_001318832.2); c.3552C>A, p.Pro1184= (NM_001363528.2, NM_001370405.1, NM_021055.3).
Identifiers: ClinVar variation 379631 (VCV000379631.47), dbSNP rs181279399, ClinGen allele CA048057.

ClinVar aggregate classification (germline): Benign/Likely benign. Review status: criteria provided, multiple submitters, no conflicts (2 of 4 stars). 8 submissions from 8 submitters: Benign (5); Likely benign (3). Last evaluated 2026-04-01.

Conditions:
Tuberous sclerosis 2 (TSC2). Identifiers: Orphanet 805, MedGen C1860707, MONDO:0013199, OMIM 613254.
Tuberous sclerosis syndrome (TSC). Also called: Tuberous Sclerosis Complex; Tuberous sclerosis. Identifiers: Orphanet 805, MedGen C0041341, MONDO:0001734.
Hereditary cancer-predisposing syndrome. Also called: Tumor predisposition; Hereditary Cancer Syndrome; Hereditary neoplastic syndrome; Neoplastic Syndromes, Hereditary. Identifiers: Orphanet 140162, MedGen C0027672, MeSH D009386, MONDO:0015356.

Allele frequency attached by ClinVar (database versions not stated): TOPMed 0.00002; gnomAD 0.00007; 1000 Genomes Project 30x 0.00031.
gnomAD v4.1: 87 of 1,612,982 alleles (0.0054%); highest among the groups gnomAD compares: Admixed American, 0.037%; no homozygotes.

Submissions (8):

CeGaT Center for Human Genetics Tuebingen
Classification: Likely benign. Last evaluated: 2026-04-01. Review status: criteria provided, single submitter. Criteria: CeGaT Center For Human Genetics Tuebingen Variant Classification Criteria Version 2. Collection method: clinical testing. Allele origin: germline. Affected: yes. Observed: 5 variant alleles.
Comment: TSC2: BP4, BP7

Labcorp Genetics (formerly Invitae), Labcorp
Classification: Benign for Tuberous sclerosis 2. Last evaluated: 2026-01-29. Review status: criteria provided, single submitter. Criteria: Invitae Variant Classification Sherloc (09022015). Collection method: clinical testing. Allele origin: germline.

Myriad Genetics, Inc.
Classification: Benign for Tuberous sclerosis 2. Last evaluated: 2025-05-30. Review status: criteria provided, single submitter. Criteria: Myriad Autosomal Dominant, Autosomal Recessive and X-Linked Classification Criteria (2023). Collection method: clinical testing. Allele origin: unknown.
Comment: This variant is considered benign. This variant is a silent/synonymous amino acid change and it is not expected to impact splicing.

Blueprint Genetics
Classification: Likely benign. Last evaluated: 2024-11-06. Review status: criteria provided, single submitter. Criteria: ACMG Guidelines, 2015. Collection method: clinical testing. Allele origin: germline.

Color Diagnostics, LLC DBA Color Health
Classification: Benign for Tuberous sclerosis syndrome. Last evaluated: 2022-10-03. Review status: criteria provided, single submitter. Criteria: ACMG Guidelines, 2015. Collection method: clinical testing. Allele origin: germline.

Genome-Nilou Lab
Classification: Benign for Tuberous sclerosis 2. Last evaluated: 2021-11-07. Review status: criteria provided, single submitter. Criteria: ACMG Guidelines, 2015. Collection method: clinical testing. Allele origin: germline. Affected: no.

GeneDx
Classification: Benign. Last evaluated: 2020-03-23. Review status: criteria provided, single submitter. Criteria: GeneDx Variant Classification Process June 2021. Collection method: clinical testing. Allele origin: germline. Affected: yes.

Ambry Genetics
Classification: Likely benign for Hereditary cancer-predisposing syndrome. Last evaluated: 2015-04-16. Review status: criteria provided, single submitter. Criteria: Ambry Variant Classification Scheme 2023. Collection method: clinical testing. Allele origin: germline.